The following is an entry in ClinVar:

ClinVar aggregate classification (germline): Conflicting classifications of pathogenicity. Review status: criteria provided, conflicting classifications (1 of 4 stars). 4 submissions from 4 submitters: Uncertain significance (3); Likely benign (1). Last evaluated 2026-04-16.

Conditions:
Inborn genetic diseases. Identifiers: MedGen C0950123, MeSH D030342.

Allele frequency attached by ClinVar (database versions not stated): 1000 Genomes Project 30x 0.00016.
gnomAD v4.1: 17 of 1,528,010 alleles (0.0011%); highest among the groups gnomAD compares: Admixed American, 0.03%; no homozygotes.

Submissions (4):

Ambry Genetics
Classification: Uncertain significance for Inborn genetic diseases. Last evaluated: 2026-04-16. Review status: criteria provided, single submitter. Criteria: Ambry Variant Classification Scheme 2023. Collection method: clinical testing. Allele origin: germline.

Labcorp Genetics (formerly Invitae), Labcorp
Classification: Likely benign. Last evaluated: 2025-12-06. Review status: criteria provided, single submitter. Criteria: Invitae Variant Classification Sherloc (09022015). Collection method: clinical testing. Allele origin: germline.

ARUP Laboratories, Molecular Genetics and Genomics, ARUP Laboratories
Classification: Uncertain significance. Last evaluated: 2024-10-24. Review status: criteria provided, single submitter. Criteria: ARUP Molecular Germline Variant Investigation Process 2024. Collection method: clinical testing. Allele origin: germline.
Comment: The PIEZO1 c.5627G>T; p.Arg1876Met variant (rs201967733), to our knowledge, is not reported in the medical literature but is reported in ClinVar (Variation ID: 3212690). This variant is only observed on one allele in the Genome Aggregation Database (v2.1.1), indicating it is not a common polymorphism. Computational analyses are uncertain whether this variant is neutral or deleterious (REVEL: 0.25). Due to limited information, the clinical significance of this variant is uncertain at this time.

Revvity Omics, Revvity
Classification: Uncertain significance. Last evaluated: 2024-06-05. Review status: criteria provided, single submitter. Criteria: ACMG Guidelines, 2015. Collection method: clinical testing. Allele origin: germline.

NM_001142864.4(PIEZO1):c.5627G>T (p.Arg1876Met)

Gene: PIEZO1 (piezo type mechanosensitive ion channel component 1 (Er blood group); minus strand). Cytogenetic location: 16q24.3.
Variant type: single nucleotide variant.
Coding change: c.5627G>T on transcript NM_001142864.4 (MANE Select); coding-DNA position 5627, G replaced by T.
Protein change: p.Arg1876Met; replaces arginine 1876 with methionine.
Molecular consequence: missense variant.
Genome position (GRCh38, 1-based): chr16:88,721,207, C>A on the plus strand (G>T on the coding strand, the complement: PIEZO1 is on the minus strand). VCF-style: chr16-88721207-C-A. GRCh37 (hg19) VCF-style: chr16-88787615-C-A.
Other names: c.4169G>T, p.Arg1390Met (NM_014745.1); short protein forms R1390M, R1876M.
Identifiers: ClinVar variation 3212690 (VCV003212690.6), dbSNP rs201967733, ClinGen allele CA286409531.